The following is an entry in ClinVar:

ClinVar aggregate classification (germline): Conflicting classifications of pathogenicity. Review status: criteria provided, conflicting classifications (1 of 4 stars). 8 submissions from 8 submitters: Uncertain significance (4); Likely benign (3). 1 of the submissions does not count toward it. Last evaluated 2026-06-24.

Conditions:
Hereditary cancer. Identifiers: MedGen C1333600.
Hereditary cancer-predisposing syndrome. Also called: Tumor predisposition; Hereditary neoplastic syndrome; Neoplastic Syndromes, Hereditary; Hereditary Cancer Syndrome. Identifiers: Orphanet 140162, MedGen C0027672, MeSH D009386, MONDO:0015356.
Familial cancer of breast. Also called: Hereditary breast cancer; BREAST CANCER, FAMILIAL; hereditary breast carcinoma. Identifiers: Orphanet 227535, MedGen C0346153, MONDO:0016419, OMIM 114480. Disease mechanism: loss of function.
Inherited breast cancer and ovarian cancer.

Allele frequency attached by ClinVar (database versions not stated): gnomAD 0.00001; ESP Exome Variant Server 0.00008; ExAC 0.00004; TOPMed 0.00001; gnomAD exomes 0.00002.
gnomAD v4.1: 14 of 1,614,134 alleles (0.00087%); highest among the groups gnomAD compares: Admixed American, 0.0067%; no homozygotes.

Submissions (8):

Cambridge Genomics Laboratory, East Genomic Laboratory Hub, NHS Genomic Medicine Service
Classification: Uncertain significance for Inherited breast cancer and ovarian cancer. Last evaluated: 2026-06-24. Review status: criteria provided, single submitter. Criteria: ACGS Best Practice Guidelines for Variant Classification in Rare Disease 2020. Collection method: clinical testing. Allele origin: germline. Affected: yes.

Labcorp Genetics (formerly Invitae), Labcorp
Classification: Uncertain significance for Familial cancer of breast. Last evaluated: 2025-12-08. Review status: criteria provided, single submitter. Criteria: Invitae Variant Classification Sherloc (09022015). Collection method: clinical testing. Allele origin: germline.
Comment: This sequence change replaces phenylalanine, which is neutral and non-polar, with serine, which is neutral and polar, at codon 818 of the PALB2 protein (p.Phe818Ser). This variant is present in population databases (rs370908330, gnomAD 0.009%). This missense change has been observed in individual(s) with breast and/or pancreatic cancer (PMID: 34326862, 35264596, 35534704). ClinVar contains an entry for this variant (Variation ID: 183712). Invitae Evidence Modeling of protein sequence and biophysical properties (such as structural, functional, and spatial information, amino acid conservation, physicochemical variation, residue mobility, and thermodynamic stability) indicates that this missense variant is not expected to disrupt PALB2 protein function with a negative predictive value of 80%. In summary, the available evidence is currently insufficient to determine the role of this variant in disease. Therefore, it has been classified as a Variant of Uncertain Significance.

Mendelics
Classification: Likely benign for Hereditary cancer. Last evaluated: 2025-02-27. Review status: criteria provided, single submitter. Criteria: ACMG Guidelines, 2015. Collection method: clinical testing. Allele origin: unknown.
Comment: This variant is considered likely benign or benign based on one or more of the following: it is predicted to be benign by multiple in silico algorithms, and/or has population frequency not consistent with disease, and/or has normal protein function, and/or has lack of segregation with disease, and/or has been detected in co-occurrence with known pathogenic variant, and/or has lack of disease association in case-control studies, and/or is located in a region inconsistent with a known cause of pathogenicity.

Ambry Genetics
Classification: Likely benign for Hereditary cancer-predisposing syndrome. Last evaluated: 2024-04-02. Review status: criteria provided, single submitter. Criteria: Ambry Variant Classification Scheme 2023. Collection method: clinical testing. Allele origin: germline.

GeneDx
Classification: Uncertain significance. Last evaluated: 2023-11-13. Review status: criteria provided, single submitter. Criteria: GeneDx Variant Classification Process June 2021. Collection method: clinical testing. Allele origin: germline. Affected: yes.
Comment: In silico analysis supports that this missense variant does not alter protein structure/function; Not observed at significant frequency in large population cohorts (gnomAD); This variant is associated with the following publications: (PMID: 24485656, 30995915, 35264596, 28779002, 34326862, 34034685)

Myriad Genetics, Inc.
Classification: Uncertain significance for Familial cancer of breast. Last evaluated: 2023-03-30. Review status: criteria provided, single submitter. Criteria: Myriad Autosomal Dominant, Autosomal Recessive and X-Linked Classification Criteria (2023). Collection method: clinical testing. Allele origin: unknown.
Comment: This variant is classified as a variant of uncertain significance as there is insufficient evidence to determine its impact on protein function and/or cancer risk.

Color Diagnostics, LLC DBA Color Health
Classification: Likely benign for Hereditary cancer-predisposing syndrome. Last evaluated: 2015-04-27. Review status: criteria provided, single submitter. Criteria: ACMG Guidelines, 2015. Collection method: clinical testing. Allele origin: germline.

Counsyl
Classification: Uncertain significance for Familial cancer of breast. Last evaluated: 2017-11-01. Review status: no assertion criteria provided. Collection method: clinical testing. Allele origin: unknown. Not counted in ClinVar's aggregate classification.

Literature cited by the submitters: PubMed 34326862 (cited by Labcorp Genetics (formerly Invitae), Labcorp); PubMed 35264596 (cited by Labcorp Genetics (formerly Invitae), Labcorp); PubMed 35534704 (cited by Labcorp Genetics (formerly Invitae), Labcorp); PubMed 28779002 (cited by Ambry Genetics); PubMed 33606809 (cited by Ambry Genetics); PubMed 34034685 (cited by Ambry Genetics).

NM_024675.4(PALB2):c.2453T>C (p.Phe818Ser)

Gene: PALB2 (partner and localizer of BRCA2; minus strand). Cytogenetic location: 16p12.2.
Variant type: single nucleotide variant.
Coding change: c.2453T>C on transcript NM_024675.4 (MANE Select); coding-DNA position 2453, T replaced by C.
Protein change: p.Phe818Ser; replaces phenylalanine 818 with serine.
Molecular consequence: missense variant.
Genome position (GRCh38, 1-based): chr16:23,629,701, A>G on the plus strand (T>C on the coding strand, the complement: PALB2 is on the minus strand). VCF-style: chr16-23629701-A-G. GRCh37 (hg19) VCF-style: chr16-23641022-A-G.
Other names: short protein forms F818S.
Identifiers: ClinVar variation 183712 (VCV000183712.25), dbSNP rs370908330, ClinGen allele CA186194.